The following is an entry in ClinVar:

NM_002691.4(POLD1):c.2832C>G (p.Phe944Leu)

Gene: POLD1 (DNA polymerase delta 1, catalytic subunit; plus strand). Cytogenetic location: 19q13.33.
Variant type: single nucleotide variant.
Coding change: c.2832C>G on transcript NM_002691.4 (MANE Select); coding-DNA position 2832, C replaced by G.
Protein change: p.Phe944Leu; replaces phenylalanine 944 with leucine.
Molecular consequence: missense variant. On other transcripts: non-coding transcript variant (1).
Genome position (GRCh38, 1-based): chr19:50,416,407, C>G. VCF-style: chr19-50416407-C-G. GRCh37 (hg19) VCF-style: chr19-50919664-C-G.
Other names: c.2832C>G, p.Phe944Leu (NM_001256849.1); c.2910C>G, p.Phe970Leu (NM_001308632.1); short protein forms F944L, F970L.
Identifiers: ClinVar variation 2497305 (VCV002497305.3), dbSNP rs143974331, ClinGen allele CA406986227.

ClinVar aggregate classification (germline): Uncertain significance. Review status: criteria provided, multiple submitters, no conflicts (2 of 4 stars). 2 submissions from 2 submitters: Uncertain significance (2). Last evaluated 2024-04-13.

Conditions:
Hereditary cancer-predisposing syndrome. Also called: Neoplastic Syndromes, Hereditary; Tumor predisposition; Hereditary Cancer Syndrome; Hereditary neoplastic syndrome. Identifiers: Orphanet 140162, MedGen C0027672, MeSH D009386, MONDO:0015356.
Mandibular hypoplasia-deafness-progeroid syndrome. Also called: Mandibular hypoplasia, deafness, progeroid features, and lipodystrophy syndrome. Identifiers: Orphanet 363649, MedGen C3715192, MONDO:0014157, OMIM 615381.
Immunodeficiency 120. Identifiers: MedGen C5935622, MONDO:0970994, OMIM 620836.
POLD1-related polyposis and colorectal cancer syndrome (CRCS10). Also called: COLORECTAL CANCER, SUSCEPTIBILITY TO, ON CHROMOSOME 19q; Colorectal cancer 10; Colorectal cancer, susceptibility to, 10. Identifiers: Orphanet 220460, MedGen C2675481, MONDO:0012953, OMIM 612591.

gnomAD v4.1: 3 of 1,549,284 alleles (0.00019%); highest among the groups gnomAD compares: Non-Finnish European, 0.00026%; no homozygotes.

Submissions (2):

Fulgent Genetics
Classification: Uncertain significance for POLD1-related polyposis and colorectal cancer syndrome; Mandibular hypoplasia-deafness-progeroid syndrome; Immunodeficiency 120. Last evaluated: 2024-04-13. Review status: criteria provided, single submitter. Criteria: ACMG Guidelines, 2015. Collection method: clinical testing. Allele origin: germline.

Ambry Genetics
Classification: Uncertain significance for Hereditary cancer-predisposing syndrome. Last evaluated: 2022-12-18. Review status: criteria provided, single submitter. Criteria: Ambry Variant Classification Scheme 2023. Collection method: clinical testing. Allele origin: germline.
Comment: The p.F944L variant (also known as c.2832C>G), located in coding exon 22 of the POLD1 gene, results from a C to G substitution at nucleotide position 2832. The phenylalanine at codon 944 is replaced by leucine, an amino acid with highly similar properties. This amino acid position is conserved. In addition, this alteration is predicted to be tolerated by in silico analysis. Since supporting evidence is limited at this time, the clinical significance of this alteration remains unclear.